The following is an entry in ClinVar:

ClinVar aggregate classification (germline): Uncertain significance (1 of 4 stars; one submission).

Conditions:
Inborn genetic diseases. Identifiers: MedGen C0950123, MeSH D030342.

Submission:

Ambry Genetics
Classification: Uncertain significance for Inborn genetic diseases. Last evaluated: 2024-10-24. Review status: criteria provided, single submitter. Criteria: Ambry Variant Classification Scheme 2023. Collection method: clinical testing. Allele origin: germline.
Comment: The p.K697E variant (also known as c.2089A>G), located in coding exon 15 of the MIB1 gene, results from an A to G substitution at nucleotide position 2089. The lysine at codon 697 is replaced by glutamic acid, an amino acid with similar properties. This amino acid position is conserved. In addition, the in silico prediction for this alteration is inconclusive. Based on the available evidence, the clinical significance of this variant remains unclear.

NM_020774.4(MIB1):c.2089A>G (p.Lys697Glu)

Gene: MIB1 (MIB E3 ubiquitin protein ligase 1; plus strand). Cytogenetic location: 18q11.2.
Variant type: single nucleotide variant.
Coding change: c.2089A>G on transcript NM_020774.4 (MANE Select); coding-DNA position 2089, A replaced by G.
Protein change: p.Lys697Glu; replaces lysine 697 with glutamic acid.
Molecular consequence: missense variant.
Genome position (GRCh38, 1-based): chr18:21,844,131, A>G. VCF-style: chr18-21844131-A-G. GRCh37 (hg19) VCF-style: chr18-19424092-A-G.
Other names: short protein forms K697E.
Identifiers: ClinVar variation 3395792 (VCV003395792.1).